The following is an entry in ClinVar:

NM_152743.4(BRAT1):c.923+3dup

Gene: BRAT1 (BRCA1 associated ATM activator 1; minus strand). Cytogenetic location: 7p22.3.
Variant type: Duplication.
Coding change: c.923+3dup on transcript NM_152743.4 (MANE Select); 3 bases into the intron after coding-DNA position 923, one base duplicated (A; older notation c.923+3dupA).
Molecular consequence: intron variant.
Genome position (GRCh38, 1-based): chr7:2,543,201, T duplicated on the plus strand (A on the coding strand, the reverse complement: BRAT1 is on the minus strand). VCF-style (leftmost placement, unchanged base first): chr7-2543200-A-AT. GRCh37 (hg19) VCF-style: chr7-2582834-A-AT.
Other names: c.398+3dup (NM_001350627.2); c.923+3dup (NM_001350626.2).
Identifiers: ClinVar variation 3679991 (VCV003679991.2).

ClinVar aggregate classification (germline): Uncertain significance (1 of 4 stars; one submission).

Conditions:
Neonatal-onset encephalopathy with rigidity and seizures. Also called: Lethal neonatal spasticity-epileptic encephalopathy syndrome. Identifiers: Orphanet 435845, MedGen C3281029, MONDO:0013784, OMIM 614498.

Submission:

Labcorp Genetics (formerly Invitae), Labcorp
Classification: Uncertain significance for Neonatal-onset encephalopathy with rigidity and seizures. Last evaluated: 2024-09-25. Review status: criteria provided, single submitter. Criteria: Invitae Variant Classification Sherloc (09022015). Collection method: clinical testing. Allele origin: germline.
Comment: This sequence change falls in intron 6 of the BRAT1 gene. It does not directly change the encoded amino acid sequence of the BRAT1 protein. It affects a nucleotide within the consensus splice site. This variant is not present in population databases (gnomAD no frequency). This variant has not been reported in the literature in individuals affected with BRAT1-related conditions. Experimental studies and prediction algorithms are not available or were not evaluated, and the functional significance of this variant is currently unknown. Variants that disrupt the consensus splice site are a relatively common cause of aberrant splicing (PMID: 17576681, 9536098). Algorithms developed to predict the effect of sequence changes on RNA splicing suggest that this variant is not likely to affect RNA splicing. In summary, the available evidence is currently insufficient to determine the role of this variant in disease. Therefore, it has been classified as a Variant of Uncertain Significance.

Literature cited by the submitters: PubMed 17576681; PubMed 9536098.